The following is an entry in ClinVar:

ClinVar aggregate classification (germline): Likely pathogenic (1 of 4 stars; one submission).

Submission:

ARUP Laboratories, Molecular Genetics and Genomics, ARUP Laboratories
Classification: Likely pathogenic. Last evaluated: 2025-04-17. Review status: criteria provided, single submitter. Criteria: ARUP Molecular Germline Variant Investigation Process 2024. Collection method: clinical testing. Allele origin: germline.
Comment: The SLC4A1 c.2142_2146del; p.Val715ArgfsTer91 variant, to our knowledge, is not reported in the medical literature or gene specific databases. This variant is also absent from the Genome Aggregation Database (v2.1.1), indicating it is not a common polymorphism. This variant causes a frameshift by deleting 5 nucleotides, so it is predicted to result in a truncated protein or mRNA subject to nonsense-mediated decay. Based on available information, this variant is considered to be likely pathogenic.

NM_000342.4(SLC4A1):c.2142_2146del (p.Val715fs)

Gene: SLC4A1 (solute carrier family 4 member 1 (Diego blood group); minus strand). Cytogenetic location: 17q21.31.
Variant type: Microsatellite.
Coding change: c.2142_2146del on transcript NM_000342.4 (MANE Select); coding-DNA positions 2142 to 2146, 5 bases deleted (GGTGG; older notation c.2142_2146delGGTGG).
Protein change: p.Val715fs; shifts the reading frame from valine 715.
Molecular consequence: frameshift variant.
Genome position (GRCh38, 1-based): chr17:44,253,283-44,253,287, CCACC deleted on the plus strand (GGTGG on the coding strand, the reverse complement: SLC4A1 is on the minus strand); deleting any 5 consecutive bases within chr17:44,253,283-44,253,293 gives the same sequence; the c. name uses the placement nearest the transcript's 3' end. VCF-style (leftmost placement, unchanged base first): chr17-44253282-GCCACC-G. GRCh37 (hg19) VCF-style: chr17-42330650-GCCACC-G.
Other names: short protein forms V715fs.
Identifiers: ClinVar variation 4685765 (VCV004685765.1).